The following is an entry in ClinVar:

NM_014425.5(INVS):c.2285G>A (p.Arg762Gln)

Gene: INVS (inversin; plus strand). Cytogenetic location: 9q31.1.
Variant type: single nucleotide variant.
Coding change: c.2285G>A on transcript NM_014425.5 (MANE Select); coding-DNA position 2285, G replaced by A.
Protein change: p.Arg762Gln; replaces arginine 762 with glutamine.
Molecular consequence: missense variant. On other transcripts: non-coding transcript variant (1).
Genome position (GRCh38, 1-based): chr9:100,292,542, G>A. VCF-style: chr9-100292542-G-A. GRCh37 (hg19) VCF-style: chr9-103054824-G-A.
Other names: c.1997G>A, p.Arg666Gln (NM_001318381.2); c.1307G>A, p.Arg436Gln (NM_001318382.2); short protein forms R436Q, R762Q, R666Q.
Identifiers: ClinVar variation 656274 (VCV000656274.6), dbSNP rs753540322, ClinGen allele CA5158593.

ClinVar aggregate classification (germline): Uncertain significance. Review status: criteria provided, multiple submitters, no conflicts (2 of 4 stars). 2 submissions from 2 submitters: Uncertain significance (2). Last evaluated 2024-04-02.

Conditions:
Nephronophthisis. Also called: Juvenile Nephronophthisis. Identifiers: Orphanet 655, MedGen C0687120, MONDO:0019005, HP:0000090.
Infantile nephronophthisis (NPHP2). Also called: Nephronophthisis 2; Nephronophthisis 2, infantile. Identifiers: Orphanet 655, Orphanet 93591, MedGen C1865872, MONDO:0011190, OMIM 602088.

Allele frequency attached by ClinVar (database versions not stated): TOPMed below 0.00001; ExAC 0.00001; gnomAD exomes 0.00002.
gnomAD v4.1: 22 of 1,614,120 alleles (0.0014%); highest among the groups gnomAD compares: East Asian, 0.0022%; no homozygotes.

Submissions (2):

Fulgent Genetics
Classification: Uncertain significance for Infantile nephronophthisis. Last evaluated: 2024-04-02. Review status: criteria provided, single submitter. Criteria: ACMG Guidelines, 2015. Collection method: clinical testing. Allele origin: germline.

Labcorp Genetics (formerly Invitae), Labcorp
Classification: Uncertain significance for Nephronophthisis. Last evaluated: 2022-08-09. Review status: criteria provided, single submitter. Criteria: Invitae Variant Classification Sherloc (09022015). Collection method: clinical testing. Allele origin: germline.
Comment: This sequence change replaces arginine, which is basic and polar, with glutamine, which is neutral and polar, at codon 762 of the INVS protein (p.Arg762Gln). This variant is present in population databases (rs753540322, gnomAD 0.003%). This variant has not been reported in the literature in individuals affected with INVS-related conditions. ClinVar contains an entry for this variant (Variation ID: 656274). Algorithms developed to predict the effect of missense changes on protein structure and function output the following: SIFT: "Tolerated"; PolyPhen-2: "Benign"; Align-GVGD: "Class C0". The glutamine amino acid residue is found in multiple mammalian species, which suggests that this missense change does not adversely affect protein function. In summary, the available evidence is currently insufficient to determine the role of this variant in disease. Therefore, it has been classified as a Variant of Uncertain Significance.